The following is an entry in ClinVar:

NM_005215.4(DCC):c.2407G>A (p.Gly803Arg)

Gene: DCC (DCC netrin 1 receptor; plus strand). Cytogenetic location: 18q21.2.
Variant type: single nucleotide variant.
Coding change: c.2407G>A on transcript NM_005215.4 (MANE Select); coding-DNA position 2407, G replaced by A.
Protein change: p.Gly803Arg; replaces glycine 803 with arginine.
Molecular consequence: missense variant.
Genome position (GRCh38, 1-based): chr18:53,386,090, G>A. VCF-style: chr18-53386090-G-A. GRCh37 (hg19) VCF-style: chr18-50912460-G-A.
Other names: short protein forms G803R.
Identifiers: ClinVar variation 187793 (VCV000187793.18), dbSNP rs797044550, ClinGen allele CA347154.

ClinVar aggregate classification (germline): Uncertain significance. Review status: criteria provided, multiple submitters, no conflicts (2 of 4 stars). 3 submissions from 3 submitters: Uncertain significance (2). 1 of the submissions does not count toward it. Last evaluated 2024-09-01.

Conditions:
Mirror movements 1 (MRMV1). Identifiers: Orphanet 238722, MedGen C1834870, OMIM 157600, MONDO:0008002.

Allele frequency attached by ClinVar (database versions not stated): gnomAD exomes below 0.00001.
gnomAD v4.1: 1 of 1,613,416 alleles (0.000062%); highest among the groups gnomAD compares: Non-Finnish European, 0.000085%; no homozygotes.

Submissions (3):

CeGaT Center for Human Genetics Tuebingen
Classification: Uncertain significance. Last evaluated: 2024-09-01. Review status: criteria provided, single submitter. Criteria: CeGaT Center For Human Genetics Tuebingen Variant Classification Criteria Version 2. Collection method: clinical testing. Allele origin: germline. Affected: yes. Observed: 1 variant allele.
Comment: DCC: PM2:Supporting, PM6:Supporting, PP3, PP4

Institute of Human Genetics, University of Leipzig Medical Center
Classification: Uncertain significance for Mirror movements 1. Last evaluated: 2024-01-25. Review status: criteria provided, single submitter. Criteria: ACMG Guidelines, 2015. Collection method: clinical testing. Allele origin: unknown. Inheritance: Autosomal dominant inheritance. Affected: yes.
Comment: Criteria applied: PS4_SUP,PM1_SUP,PP3

GeneReviews
No classification provided. Condition: Mirror movements 1. Review status: no classification provided. Collection method: literature only. Allele origin: germline. Affected: yes. Not counted in ClinVar's aggregate classification.
Comment: May be associated with a higher risk of CMM.

Literature cited by the submitters: PubMed 24808016 (cited by GeneReviews); NCBI Bookshelf NBK279760 (cited by GeneReviews).